The following is an entry in ClinVar:

ClinVar aggregate classification (germline): Uncertain significance (1 of 4 stars; one submission).

gnomAD v4.1: 2 of 1,614,152 alleles (0.00012%); highest among the groups gnomAD compares: Non-Finnish European, 0.00017%; no homozygotes.

Submission:

Labcorp Genetics (formerly Invitae), Labcorp
Classification: Uncertain significance. Last evaluated: 2025-09-28. Review status: criteria provided, single submitter. Criteria: Invitae Variant Classification Sherloc (09022015). Collection method: clinical testing. Allele origin: germline.
Comment: This sequence change replaces tyrosine, which is neutral and polar, with histidine, which is basic and polar, at codon 206 of the CFI protein (p.Tyr206His). This variant is not present in population databases (gnomAD no frequency). This variant has not been reported in the literature in individuals affected with CFI-related conditions. Invitae Evidence Modeling of protein sequence and biophysical properties (such as structural, functional, and spatial information, amino acid conservation, physicochemical variation, residue mobility, and thermodynamic stability) indicates that this missense variant is not expected to disrupt CFI protein function with a negative predictive value of 80%. In summary, the available evidence is currently insufficient to determine the role of this variant in disease. Therefore, it has been classified as a Variant of Uncertain Significance.

NM_000204.5(CFI):c.616T>C (p.Tyr206His)

Gene: CFI (complement factor I; minus strand). Cytogenetic location: 4q25.
Variant type: single nucleotide variant.
Coding change: c.616T>C on transcript NM_000204.5 (MANE Select); coding-DNA position 616, T replaced by C.
Protein change: p.Tyr206His; replaces tyrosine 206 with histidine.
Molecular consequence: missense variant. On other transcripts: non-coding transcript variant (3).
Genome position (GRCh38, 1-based): chr4:109,761,559, A>G on the plus strand (T>C on the coding strand, the complement: CFI is on the minus strand). VCF-style: chr4-109761559-A-G. GRCh37 (hg19) VCF-style: chr4-110682715-A-G.
Other names: c.616T>C, p.Tyr206His (NM_001318057.2, NM_001331035.2, NM_001375278.1 and 10 more transcripts); c.7T>C, p.Tyr3His (NM_001375284.1); short protein forms Y206H, Y3H.
Identifiers: ClinVar variation 4767532 (VCV004767532.1).